The following is an entry in ClinVar:

NM_001447.3(FAT2):c.7527T>C (p.Asp2509=)

Genes: FAT2 (FAT atypical cadherin 2; minus strand), SLC36A1 (solute carrier family 36 member 1; plus strand). Cytogenetic location: 5q33.1.
Variant type: single nucleotide variant.
Coding change: c.7527T>C on transcript NM_001447.3 (MANE Select); coding-DNA position 7527, T replaced by C.
Protein change: p.Asp2509=; no amino-acid change (aspartic acid 2509 retained).
Molecular consequence: synonymous variant.
Genome position (GRCh38, 1-based): chr5:151,543,600, A>G on the plus strand (T>C on the coding strand, the complement: FAT2 is on the minus strand). VCF-style: chr5-151543600-A-G. GRCh37 (hg19) VCF-style: chr5-150923161-A-G.
Other names: c.7527T>C (NM_001447.2).
Identifiers: ClinVar variation 2194672 (VCV002194672.7), dbSNP rs143125183, ClinGen allele CA3520943.

ClinVar aggregate classification (germline): Benign/Likely benign. Review status: criteria provided, multiple submitters, no conflicts (2 of 4 stars). 3 submissions from 3 submitters: Benign (1); Likely benign (1). 1 of the submissions does not count toward it. Last evaluated 2025-11-05.

Conditions:
FAT2-related disorder. Also called: FAT2-related condition.

Allele frequency attached by ClinVar (database versions not stated): gnomAD exomes 0.00013; ExAC 0.00045; gnomAD 0.00113; TOPMed 0.00116; 1000 Genomes Project 0.00120; 1000 Genomes Project 30x 0.00141; ESP Exome Variant Server 0.00169.
gnomAD v4.1: 356 of 1,614,212 alleles (0.022%); highest among the groups gnomAD compares: African/African-American, 0.35%; no homozygotes.

Submissions (3):

Labcorp Genetics (formerly Invitae), Labcorp
Classification: Benign. Last evaluated: 2025-11-05. Review status: criteria provided, single submitter. Criteria: Invitae Variant Classification Sherloc (09022015). Collection method: clinical testing. Allele origin: germline.

Blueprint Genetics
Classification: Likely benign. Last evaluated: 2024-10-23. Review status: criteria provided, single submitter. Criteria: ACMG Guidelines, 2015. Collection method: clinical testing. Allele origin: germline.

PreventionGenetics, part of Exact Sciences
Classification: Likely benign for FAT2-related condition. Last evaluated: 2019-06-07. Review status: no assertion criteria provided. Collection method: clinical testing. Allele origin: germline. Not counted in ClinVar's aggregate classification.
Comment: This variant is classified as likely benign based on ACMG/AMP sequence variant interpretation guidelines (Richards et al. 2015 PMID: 25741868, with internal and published modifications).